The following is an entry in ClinVar:

ClinVar aggregate classification (germline): Likely benign (1 of 4 stars; one submission).

Allele frequency attached by ClinVar (database versions not stated): TOPMed below 0.00001.

Submission:

GeneDx
Classification: Likely benign. Last evaluated: 2016-02-11. Review status: criteria provided, single submitter. Criteria: GeneDx Variant Classification (06012015). Collection method: clinical testing. Allele origin: germline. Affected: yes.
Comment: This variant is considered likely benign or benign based on one or more of the following criteria: it is a conservative change, it occurs at a poorly conserved position in the protein, it is predicted to be benign by multiple in silico algorithms, and/or has population frequency not consistent with disease.

NM_005670.4(EPM2A):c.301+20G>T

Genes: EPM2A (EPM2A glucan phosphatase, laforin; minus strand), EPM2A-DT (EPM2A divergent transcript; plus strand), LOC129997381 (ATAC-STARR-seq lymphoblastoid silent region 17642; plus strand). Cytogenetic location: 6q24.3.
Variant type: single nucleotide variant.
Coding change: c.301+20G>T on transcript NM_005670.4 (MANE Select); 20 bases into the intron after coding-DNA position 301, G replaced by T.
Molecular consequence: intron variant.
Genome position (GRCh38, 1-based): chr6:145,735,178, C>A on the plus strand (G>T on the coding strand, the complement: EPM2A is on the minus strand). VCF-style: chr6-145735178-C-A. GRCh37 (hg19) VCF-style: chr6-146056314-C-A.
Other names: c.-114+730G>T (NM_001360064.2); c.-114+67G>T (NM_001368131.1); c.301+20G>T (NM_001360057.2, NM_001018041.2, NM_001368130.1); c.-323+20G>T (NM_001368129.2); c.-369+20G>T (NM_001360071.2).
Identifiers: ClinVar variation 378892 (VCV000378892.1), dbSNP rs1020264217, ClinGen allele CA16605463.